The following is an entry in ClinVar:

NM_004369.4(COL6A3):c.8150G>C (p.Ser2717Thr)

Gene: COL6A3 (collagen type VI alpha 3 chain; minus strand). Cytogenetic location: 2q37.3.
Variant type: single nucleotide variant.
Coding change: c.8150G>C on transcript NM_004369.4 (MANE Select); coding-DNA position 8150, G replaced by C.
Protein change: p.Ser2717Thr; replaces serine 2717 with threonine.
Molecular consequence: missense variant.
Genome position (GRCh38, 1-based): chr2:237,340,766, C>G on the plus strand (G>C on the coding strand, the complement: COL6A3 is on the minus strand). VCF-style: chr2-237340766-C-G. GRCh37 (hg19) VCF-style: chr2-238249409-C-G.
Other names: c.6329G>C, p.Ser2110Thr (NM_057166.5); c.7532G>C, p.Ser2511Thr (NM_057167.4); short protein forms S2511T, S2717T, S2110T.
Identifiers: ClinVar variation 1352963 (VCV001352963.8), dbSNP rs763974888, ClinGen allele CA2187617.
Genomic context (GRCh38, chr2:237,340,766, plus strand): 5'-TTCAGGTCCCGTGGGTTTGGGGCACTTTCAAAGACATTCTCTATGGTGTATTCAATGGCA[C>G]TGCCTAAGGCCCTGGTTCCCTGCAACTGTGTCATTCCCCTGCTGAGGAAGTCCACCAGCT-3'
Protein context (NP_004360.2, residues 2707-2727): TQLQGTRALG[Ser2717Thr]AIEYTIENVF

ClinVar aggregate classification (germline): Uncertain significance (1 of 4 stars; one submission).

Conditions:
Bethlem myopathy 1A. Also called: MYOPATHY, BENIGN CONGENITAL, WITH CONTRACTURES; Bethlem Muscular Dystrophy; Bethlem myopathy 1. Identifiers: Orphanet 610, MedGen CN029274, MONDO:0024530, OMIM 158810.

gnomAD v4.1: 6 of 1,614,194 alleles (0.00037%); highest among the groups gnomAD compares: Non-Finnish European, 0.00042%; no homozygotes.

Submission:

Labcorp Genetics (formerly Invitae), Labcorp
Classification: Uncertain significance for Bethlem myopathy 1A. Last evaluated: 2021-01-19. Review status: criteria provided, single submitter. Criteria: Invitae Variant Classification Sherloc (09022015). Collection method: clinical testing. Allele origin: germline.
Comment: In summary, the available evidence is currently insufficient to determine the role of this variant in disease. Therefore, it has been classified as a Variant of Uncertain Significance. Advanced modeling of protein sequence and biophysical properties (such as structural, functional, and spatial information, amino acid conservation, physicochemical variation, residue mobility, and thermodynamic stability) performed at Invitae indicates that this missense variant is not expected to disrupt COL6A3 protein function. This variant has not been reported in the literature in individuals with COL6A3-related conditions. This variant is present in population databases (rs763974888, ExAC 0.001%). This sequence change replaces serine with threonine at codon 2717 of the COL6A3 protein (p.Ser2717Thr). The serine residue is moderately conserved and there is a small physicochemical difference between serine and threonine.